The following is an entry in ClinVar:

ClinVar aggregate classification (germline): Likely benign. Review status: criteria provided, multiple submitters, no conflicts (2 of 4 stars). 3 submissions from 3 submitters: Likely benign (3). Last evaluated 2024-12-23.

Conditions:
Hereditary cancer-predisposing syndrome. Also called: Tumor predisposition; Hereditary Cancer Syndrome; Hereditary neoplastic syndrome; Neoplastic Syndromes, Hereditary. Identifiers: Orphanet 140162, MedGen C0027672, MeSH D009386, MONDO:0015356.
Neurofibromatosis, type 2 (SWNV). Also called: BILATERAL ACOUSTIC NEUROFIBROMATOSIS; NF2-Related Schwannomatosis; SCHWANNOMATOSIS, VESTIBULAR. Identifiers: Orphanet 637, MedGen C0027832, MONDO:0007039, OMIM 101000. Disease mechanism: loss of function.

Submissions (3):

Labcorp Genetics (formerly Invitae), Labcorp
Classification: Likely benign for Neurofibromatosis, type 2. Last evaluated: 2024-12-23. Review status: criteria provided, single submitter. Criteria: Invitae Variant Classification Sherloc (09022015). Collection method: clinical testing. Allele origin: germline.

Ambry Genetics
Classification: Likely benign for Hereditary cancer-predisposing syndrome. Last evaluated: 2024-01-12. Review status: criteria provided, single submitter. Criteria: Ambry Variant Classification Scheme 2023. Collection method: clinical testing. Allele origin: germline.

All of Us Research Program, National Institutes of Health
Classification: Likely benign for Neurofibromatosis, type 2. Last evaluated: 2023-12-13. Review status: criteria provided, single submitter. Criteria: ACMG Guidelines, 2015. Collection method: clinical testing. Allele origin: germline. Inheritance: Autosomal dominant inheritance. Observed: 1 variant allele, 1 heterozygote.
Comment: This study involves interpretation of variants in research participants for the purpose of population health screening. Participant phenotype was not available at the time of variant classification. Additional details can be found in publication PMID: 35346344, PMCID: PMC8962531

NM_000268.4(NF2):c.57C>T (p.Pro19=)

Gene: NF2 (NF2, moesin-ezrin-radixin like (MERLIN) tumor suppressor; plus strand). Cytogenetic location: 22q12.2.
Variant type: single nucleotide variant.
Coding change: c.57C>T on transcript NM_000268.4 (MANE Select); coding-DNA position 57, C replaced by T.
Protein change: p.Pro19=; no amino-acid change (proline 19 retained).
Molecular consequence: synonymous variant. On other transcripts: 5 prime UTR variant (4), non-coding transcript variant (1).
Genome position (GRCh38, 1-based): chr22:29,604,055, C>T. VCF-style: chr22-29604055-C-T. GRCh37 (hg19) VCF-style: chr22-30000044-C-T.
Other names: c.-174C>T (NM_001407053.1, NM_001407056.1); c.57C>T, p.Pro19= (NM_001407054.1, NM_001407055.1, NM_001407057.1 and 15 more transcripts); c.-584C>T (NM_001407065.1); c.-200C>T (NM_001407067.1).
Identifiers: ClinVar variation 3074912 (VCV003074912.4), dbSNP rs541641232, ClinGen allele CA514184216.